The following is an entry in ClinVar:

NM_000551.4(VHL):c.340+580C>T

Genes: VHL (von Hippel-Lindau tumor suppressor; plus strand), LOC107303340 (3p25 von Hippel-Lindau tumor suppressor, E3 ubiquitin protein ligase Alu-mediated recombination region; plus strand). Cytogenetic location: 3p25.3.
Variant type: single nucleotide variant.
Coding change: c.340+580C>T on transcript NM_000551.4 (MANE Select); 580 bases into the intron after coding-DNA position 340, C replaced by T.
Molecular consequence: intron variant. On other transcripts: synonymous variant (1), non-coding transcript variant (1).
Genome position (GRCh38, 1-based): chr3:10,142,767, C>T. VCF-style: chr3-10142767-C-T. GRCh37 (hg19) VCF-style: chr3-10184451-C-T.
Other names: c.345C>T, p.Leu115= (NM_001354723.2); c.340+580C>T (NM_198156.3).
Identifiers: ClinVar variation 3752023 (VCV003752023.2).

ClinVar aggregate classification (germline): Uncertain significance (1 of 4 stars; one submission).

Conditions:
Chuvash polycythemia. Also called: POLYCYTHEMIA, VHL-DEPENDENT. Identifiers: Orphanet 238557, MedGen C1837915, MONDO:0009892, OMIM 263400.
Von Hippel-Lindau syndrome (VHLS). Also called: VHL syndrome; von Hippel–Lindau syndrome; Von Hippel-Lindau. Identifiers: Orphanet 892, MedGen C0019562, MONDO:0008667, OMIM 193300. Disease mechanism: loss of function.

Submission:

Labcorp Genetics (formerly Invitae), Labcorp
Classification: Uncertain significance for Von Hippel-Lindau syndrome; Chuvash polycythemia. Last evaluated: 2024-02-13. Review status: criteria provided, single submitter. Criteria: Invitae Variant Classification Sherloc (09022015). Collection method: clinical testing. Allele origin: germline.
Comment: This sequence change falls in intron 1 of the VHL gene. It is not expected to change the encoded amino acid sequence of the VHL protein. However, this sequence change falls within a cryptic exon in the VHL gene, known as exon E1’, which is naturally expressed at low levels in several human tissues (PMID: 29891534). This variant is not present in population databases (gnomAD no frequency). This variant has not been reported in the literature in individuals affected with VHL-related conditions. Algorithms developed to predict the effect of sequence changes on RNA splicing suggest that this variant is not likely to affect RNA splicing. In summary, the available evidence is currently insufficient to determine the role of this variant in disease. Therefore, it has been classified as a Variant of Uncertain Significance.

Literature cited by the submitters: PubMed 29891534.